The following is an entry in ClinVar:

NM_030665.4(RAI1):c.500G>A (p.Arg167Gln)

Gene: RAI1 (retinoic acid induced 1; plus strand). Cytogenetic location: 17p11.2.
Variant type: single nucleotide variant.
Coding change: c.500G>A on transcript NM_030665.4 (MANE Select); coding-DNA position 500, G replaced by A.
Protein change: p.Arg167Gln; replaces arginine 167 with glutamine.
Molecular consequence: missense variant.
Genome position (GRCh38, 1-based): chr17:17,793,448, G>A. VCF-style: chr17-17793448-G-A. GRCh37 (hg19) VCF-style: chr17-17696762-G-A.
Other names: c.500G>A (NM_030665.3); short protein forms R167Q.
Identifiers: ClinVar variation 1958181 (VCV001958181.7), dbSNP rs771338296, ClinGen allele CA8418136.
Genomic context (GRCh38, chr17:17,793,448, plus strand): 5'-AAAAGACAGCAGTGCCCCCCAGCAGGCAGTATGCAGAGCAGGGCGCCCAGGTGCCCTTTC[G>A]GACTCACTCCCTGCACGTCCAGCAGCCACCGCCGCCCCAGCAGCCCCTGGCATACCCCAA-3'
Protein context (NP_109590.3, residues 157-177): YAEQGAQVPF[Arg167Gln]THSLHVQQPP

ClinVar aggregate classification (germline): Conflicting classifications of pathogenicity. Review status: criteria provided, conflicting classifications (1 of 4 stars). 3 submissions from 3 submitters: Uncertain significance (2); Likely benign (1). Last evaluated 2026-02-04.

Conditions:
RAI1-related disorder. Also called: RAI1-related condition.
Intellectual disability. Also called: Intellectual functioning disability; Intellectual developmental disorder; intellectual disabilities. Identifiers: MedGen C3714756, MeSH D008607, MONDO:0001071, HP:0001249.

Allele frequency attached by ClinVar (database versions not stated): TOPMed 0.00001; ExAC 0.00003; gnomAD 0.00003; gnomAD exomes 0.00003.
gnomAD v4.1: 49 of 1,613,172 alleles (0.003%); highest among the groups gnomAD compares: Non-Finnish European, 0.0038%; no homozygotes.

Submissions (3):

PreventionGenetics, part of Exact Sciences
Classification: Uncertain significance for RAI1-related condition. Last evaluated: 2026-02-04. Review status: criteria provided, single submitter. Criteria: ACMG Guidelines, 2015. Collection method: clinical testing. Allele origin: germline.
Comment: The RAI1 c.500G>A variant is predicted to result in the amino acid substitution p.Arg167Gln. To our knowledge, this variant has not been reported in the literature. This variant is reported in 0.0062% of alleles in individuals of European (Non-Finnish) descent in gnomAD. At this time, the clinical significance of this variant is uncertain due to the absence of conclusive functional and genetic evidence.

Labcorp Genetics (formerly Invitae), Labcorp
Classification: Uncertain significance. Last evaluated: 2025-05-14. Review status: criteria provided, single submitter. Criteria: Invitae Variant Classification Sherloc (09022015). Collection method: clinical testing. Allele origin: germline.
Comment: This sequence change replaces arginine, which is basic and polar, with glutamine, which is neutral and polar, at codon 167 of the RAI1 protein (p.Arg167Gln). This variant is present in population databases (rs771338296, gnomAD 0.006%). This variant has not been reported in the literature in individuals affected with RAI1-related conditions. ClinVar contains an entry for this variant (Variation ID: 1958181). Invitae Evidence Modeling of protein sequence and biophysical properties (such as structural, functional, and spatial information, amino acid conservation, physicochemical variation, residue mobility, and thermodynamic stability) indicates that this missense variant is not expected to disrupt RAI1 protein function with a negative predictive value of 80%. In summary, the available evidence is currently insufficient to determine the role of this variant in disease. Therefore, it has been classified as a Variant of Uncertain Significance.

Cambridge Genomics Laboratory, East Genomic Laboratory Hub, NHS Genomic Medicine Service
Classification: Likely benign for Intellectual disability. Last evaluated: 2020-04-27. Review status: criteria provided, single submitter. Criteria: ACGS Best Practice Guidelines for Variant Classification in Rare Disease 2020. Collection method: clinical testing. Allele origin: germline. Affected: yes. Observed: 1 variant allele.